The following is an entry in ClinVar:

ClinVar aggregate classification (germline): Uncertain significance (1 of 4 stars; one submission).

Allele frequency attached by ClinVar (database versions not stated): gnomAD 0.00001; ExAC 0.00002.
gnomAD v4.1: 1 of 1,614,054 alleles (0.000062%); highest among the groups gnomAD compares: African/African-American, 0.0013%; no homozygotes.

Submission:

Labcorp Genetics (formerly Invitae), Labcorp
Classification: Uncertain significance. Last evaluated: 2022-08-16. Review status: criteria provided, single submitter. Criteria: Invitae Variant Classification Sherloc (09022015). Collection method: clinical testing. Allele origin: germline.
Comment: This sequence change replaces valine, which is neutral and non-polar, with isoleucine, which is neutral and non-polar, at codon 44 of the RDH11 protein (p.Val44Ile). This variant is present in population databases (rs779595355, gnomAD 0.007%). This variant has not been reported in the literature in individuals affected with RDH11-related conditions. Algorithms developed to predict the effect of missense changes on protein structure and function (SIFT, PolyPhen-2, Align-GVGD) all suggest that this variant is likely to be tolerated. In summary, the available evidence is currently insufficient to determine the role of this variant in disease. Therefore, it has been classified as a Variant of Uncertain Significance.

NM_016026.4(RDH11):c.130G>A (p.Val44Ile)

Genes: GPHN (gephyrin; plus strand), RDH11 (retinol dehydrogenase 11; minus strand). Cytogenetic location: 14q24.1.
Variant type: single nucleotide variant.
Coding change: c.130G>A on transcript NM_016026.4 (MANE Select); coding-DNA position 130, G replaced by A.
Protein change: p.Val44Ile; replaces valine 44 with isoleucine.
Molecular consequence: missense variant.
Genome position (GRCh38, 1-based): chr14:67,692,997, C>T on the plus strand (G>A on the coding strand, the complement: RDH11 is on the minus strand). VCF-style: chr14-67692997-C-T. GRCh37 (hg19) VCF-style: chr14-68159714-C-T.
Other names: c.130G>A, p.Val44Ile (NM_001252650.2); short protein forms V44I.
Identifiers: ClinVar variation 1930710 (VCV001930710.5), dbSNP rs779595355, ClinGen allele CA7238493.